The following is an entry in ClinVar:

NM_015259.6(ICOSLG):c.406+1G>T

Gene: ICOSLG (inducible T cell costimulator ligand; minus strand). Cytogenetic location: 21q22.3.
Variant type: single nucleotide variant.
Coding change: c.406+1G>T on transcript NM_015259.6 (MANE Select); the canonical splice donor site of the intron after coding-DNA position 406, G replaced by T.
Molecular consequence: splice donor variant. On other transcripts: intron variant (1).
Genome position (GRCh38, 1-based): chr21:44,236,866, C>A on the plus strand (G>T on the coding strand, the complement: ICOSLG is on the minus strand). VCF-style: chr21-44236866-C-A. GRCh37 (hg19) VCF-style: chr21-45656749-C-A.
Other names: c.56-1304G>T (NM_001283051.2); c.151+1G>T (NM_001283052.2); c.406+1G>T (NM_001283050.2, NM_001395918.1); c.325+1G>T (NM_001365759.2).
Identifiers: ClinVar variation 4887815 (VCV004887815.1).

ClinVar aggregate classification (germline): Likely pathogenic (1 of 4 stars; one submission).

Conditions:
Immunodeficiency 119. Identifiers: MedGen C5935621, MONDO:0970993, OMIM 620825.

Submission:

Clinical Immunology, Karolinska University Hospital
Classification: Likely pathogenic for Immunodeficiency 119. Last evaluated: 2026-06-02. Review status: criteria provided, single submitter. Criteria: ACMG Guidelines, 2015. Collection method: clinical testing. Allele origin: germline. Inheritance: Autosomal recessive inheritance. Affected: yes.
Comment: Located in trans with another ICOSL-variant (VUS, c.469A>C, p.Thr157Pro). Flow cytometric measurement of ICOSL on patient B-cells shows very low expression.